The following is an entry in ClinVar:

NM_004370.6(COL12A1):c.4564C>T (p.Arg1522Cys)

Gene: COL12A1 (collagen type XII alpha 1 chain; minus strand). Cytogenetic location: 6q13.
Variant type: single nucleotide variant.
Coding change: c.4564C>T on transcript NM_004370.6 (MANE Select); coding-DNA position 4564, C replaced by T.
Protein change: p.Arg1522Cys; replaces arginine 1522 with cysteine.
Molecular consequence: missense variant.
Genome position (GRCh38, 1-based): chr6:75,145,452, G>A on the plus strand (C>T on the coding strand, the complement: COL12A1 is on the minus strand). VCF-style: chr6-75145452-G-A. GRCh37 (hg19) VCF-style: chr6-75855168-G-A.
Other names: c.1072C>T, p.Arg358Cys (NM_080645.3); short protein forms R1522C, R358C.
Identifiers: ClinVar variation 449260 (VCV000449260.34), dbSNP rs574863380, ClinGen allele CA3893407.

ClinVar aggregate classification (germline): Conflicting classifications of pathogenicity. Review status: criteria provided, conflicting classifications (1 of 4 stars). 5 submissions from 5 submitters: Uncertain significance (3); Likely benign (2). Last evaluated 2026-02-22.

Conditions:
COL12A1-related disorder. Also called: COL12A1-related condition.
Inborn genetic diseases. Identifiers: MedGen C0950123, MeSH D030342.
Ullrich congenital muscular dystrophy 2 (UCMD2). Identifiers: Orphanet 75840, MedGen C4225314, MONDO:0014654, OMIM 616470.
Bethlem myopathy 2 (BTHLM2). Identifiers: Orphanet 536516, Orphanet 610, MedGen C4225313, MONDO:0034022, OMIM 616471.

Allele frequency attached by ClinVar (database versions not stated): TOPMed 0.00001; 1000 Genomes Project 30x 0.00016; 1000 Genomes Project 0.00020.
gnomAD v4.1: 22 of 1,612,956 alleles (0.0014%); highest among the groups gnomAD compares: African/African-American, 0.0053%; no homozygotes.

Submissions (5):

PreventionGenetics, part of Exact Sciences
Classification: Uncertain significance for COL12A1-related condition. Last evaluated: 2026-02-22. Review status: criteria provided, single submitter. Criteria: ACMG Guidelines, 2015. Collection method: clinical testing. Allele origin: germline.
Comment: The COL12A1 c.4564C>T variant is predicted to result in the amino acid substitution p.Arg1522Cys. To our knowledge, this variant has not been reported in the literature. This variant is reported in 0.0056% of alleles in individuals of East Asian descent in gnomAD. At this time, the clinical significance of this variant is uncertain due to the absence of conclusive functional and genetic evidence.

CeGaT Center for Human Genetics Tuebingen
Classification: Likely benign. Last evaluated: 2025-12-01. Review status: criteria provided, single submitter. Criteria: CeGaT Center For Human Genetics Tuebingen Variant Classification Criteria Version 2. Collection method: clinical testing. Allele origin: germline. Affected: yes. Observed: 2 variant alleles.
Comment: COL12A1: BP4

Labcorp Genetics (formerly Invitae), Labcorp
Classification: Likely benign for Bethlem myopathy 2; Ullrich congenital muscular dystrophy 2. Last evaluated: 2025-07-27. Review status: criteria provided, single submitter. Criteria: Invitae Variant Classification Sherloc (09022015). Collection method: clinical testing. Allele origin: germline.

Ambry Genetics
Classification: Uncertain significance for Inborn genetic diseases. Last evaluated: 2023-05-05. Review status: criteria provided, single submitter. Criteria: Ambry Variant Classification Scheme 2023. Collection method: clinical testing. Allele origin: germline.

GeneDx
Classification: Uncertain significance. Last evaluated: 2015-09-18. Review status: criteria provided, single submitter. Criteria: GeneDx Variant Classification (06012015). Collection method: clinical testing. Allele origin: germline. Affected: yes.
Comment: The R1522C variant in the COL12A1 gene has not been published as a pathogenic variant, nor has it been reported as a benign variant to our knowledge. The R1522C variant was not observed in approximately 6,300 individuals of European and African American ancestry in the NHLBI Exome Sequencing Project, indicating it is not a common benign variant in these populations. The R1522 variant is a non-conservative amino acid substitution, which is likely to impact secondary protein structure as these residues differ in polarity, charge, size and/or other properties. In silico analysis predicts this variant is probably damaging to protein structure/function. However, this substitution occurs at a position that is not conserved. We interpret R1522C as a variant of uncertain significance.